The following is an entry in ClinVar:

ClinVar aggregate classification (germline): Uncertain significance (1 of 4 stars; one submission).

Conditions:
SEMA3B-related disorder. Also called: SEMA3B-related condition.

gnomAD v4.1: 5 of 1,551,740 alleles (0.00032%); highest among the groups gnomAD compares: Non-Finnish European, 0.00043%; no homozygotes.

Submission:

PreventionGenetics, part of Exact Sciences
Classification: Uncertain significance for SEMA3B-related condition. Last evaluated: 2025-05-05. Review status: criteria provided, single submitter. Criteria: ACMG Guidelines, 2015. Collection method: clinical testing. Allele origin: germline.
Comment: The SEMA3B c.2135T>C variant is predicted to result in the amino acid substitution p.Leu712Pro. To our knowledge, this variant has not been reported in the literature or in a large population database, indicating this variant is rare. At this time, the clinical significance of this variant is uncertain due to the absence of conclusive functional and genetic evidence.

NM_001290060.2(SEMA3B):c.2120T>C (p.Leu707Pro)

Gene: SEMA3B (semaphorin 3B; plus strand). Cytogenetic location: 3p21.31.
Variant type: single nucleotide variant.
Coding change: c.2120T>C on transcript NM_001290060.2 (MANE Select); coding-DNA position 2120, T replaced by C.
Protein change: p.Leu707Pro; replaces leucine 707 with proline.
Molecular consequence: missense variant. On other transcripts: non-coding transcript variant (1).
Genome position (GRCh38, 1-based): chr3:50,276,576, T>C. VCF-style: chr3-50276576-T-C. GRCh37 (hg19) VCF-style: chr3-50314007-T-C.
Other names: c.2117T>C, p.Leu706Pro (NM_001005914.3, NM_001435957.1, NM_001435958.1); c.2135T>C, p.Leu712Pro (NM_001290061.1); c.1091T>C, p.Leu364Pro (NM_001290062.2, NM_001290063.2); c.2120T>C, p.Leu707Pro (NM_001435956.1, NM_004636.4); short protein forms L707P, L364P, L706P, L712P.
Identifiers: ClinVar variation 4989254 (VCV004989254.1).